The following is an entry in ClinVar:

NM_001009944.3(PKD1):c.5021C>T (p.Pro1674Leu)

Gene: PKD1 (polycystin 1, transient receptor potential channel interacting; minus strand). Cytogenetic location: 16p13.3.
Variant type: single nucleotide variant.
Coding change: c.5021C>T on transcript NM_001009944.3 (MANE Select); coding-DNA position 5021, C replaced by T.
Protein change: p.Pro1674Leu; replaces proline 1674 with leucine.
Molecular consequence: missense variant.
Genome position (GRCh38, 1-based): chr16:2,110,146, G>A on the plus strand (C>T on the coding strand, the complement: PKD1 is on the minus strand). VCF-style: chr16-2110146-G-A. GRCh37 (hg19) VCF-style: chr16-2160147-G-A.
Other names: c.5021C>T, p.Pro1674Leu (NM_000296.4); short protein forms P1674L.
Identifiers: ClinVar variation 3306797 (VCV003306797.4).

ClinVar aggregate classification (germline): Conflicting classifications of pathogenicity. Review status: criteria provided, conflicting classifications (1 of 4 stars). 4 submissions from 4 submitters: Uncertain significance (3); Likely benign (1). Last evaluated 2026-05-03.

Conditions:
PKD1-related disorder. Also called: PKD1-related condition.
Inborn genetic diseases. Identifiers: MedGen C0950123, MeSH D030342.

gnomAD v4.1: 82 of 1,609,732 alleles (0.0051%); highest among the groups gnomAD compares: African/African-American, 0.023%; no homozygotes.

Submissions (4):

PreventionGenetics, part of Exact Sciences
Classification: Uncertain significance for PKD1-related condition. Last evaluated: 2026-05-03. Review status: criteria provided, single submitter. Criteria: ACMG Guidelines, 2015. Collection method: clinical testing. Allele origin: germline.
Comment: The PKD1 c.5021C>T variant is predicted to result in the amino acid substitution p.Pro1674Leu. To our knowledge, this variant has not been reported in the literature. This variant is reported in 0.034% of alleles in individuals of African descent in gnomAD. At this time, the clinical significance of this variant is uncertain due to the absence of conclusive functional and genetic evidence.

Women's Health and Genetics/Laboratory Corporation of America, LabCorp
Classification: Uncertain significance. Last evaluated: 2024-12-04. Review status: criteria provided, single submitter. Criteria: LabCorp Variant Classification Summary - May 2015. Collection method: clinical testing. Allele origin: germline.
Comment: Variant summary: PKD1 c.5021C>T (p.Pro1674Leu) results in a non-conservative amino acid change in the encoded protein sequence. Four of five in-silico tools predict a benign effect of the variant on protein function. The variant allele was found at a frequency of 3.7e-05 in 242976 control chromosomes. The available data on variant occurrences in the general population are insufficient to allow any conclusion about variant significance. To our knowledge, no occurrence of c.5021C>T in individuals affected with Polycystic Kidney Disease 1 and no experimental evidence demonstrating its impact on protein function have been reported. ClinVar contains an entry for this variant (Variation ID: 3306797). Based on the evidence outlined above, the variant was classified as uncertain significance.

Blueprint Genetics
Classification: Likely benign. Last evaluated: 2024-09-24. Review status: criteria provided, single submitter. Criteria: ACMG Guidelines, 2015. Collection method: clinical testing. Allele origin: germline.

Ambry Genetics
Classification: Uncertain significance for Inborn genetic diseases. Last evaluated: 2024-06-17. Review status: criteria provided, single submitter. Criteria: Ambry Variant Classification Scheme 2023. Collection method: clinical testing. Allele origin: germline.